The following is an entry in ClinVar:

ClinVar aggregate classification (germline): Conflicting classifications of pathogenicity. Review status: criteria provided, conflicting classifications (1 of 4 stars). 2 submissions from 2 submitters: Likely pathogenic (1); Uncertain significance (1). Last evaluated 2024-04-08.

Conditions:
X-linked chondrodysplasia punctata 1 (CDPX1). Also called: CHONDRODYSPLASIA PUNCTATA, BRACHYTELEPHALANGIC; Chondrodysplasia punctata, X-linked recessive. Identifiers: Orphanet 79345, MedGen C3669395, MONDO:0010555, OMIM 302950.

Allele frequency attached by ClinVar (database versions not stated): gnomAD exomes below 0.00001; TOPMed below 0.00001.
gnomAD v4.1: 2 of 1,209,673 alleles (0.00017%); highest among the groups gnomAD compares: African/African-American, 0.0017%; no homozygotes.

Submissions (2):

Greenwood Genetic Center Diagnostic Laboratories, Greenwood Genetic Center
Classification: Likely pathogenic for X-linked chondrodysplasia punctata 1. Last evaluated: 2024-04-08. Review status: criteria provided, single submitter. Criteria: ACMG Guidelines, 2015. Collection method: clinical testing. Allele origin: germline. Affected: yes.
Comment: PS2, PM2, PP3

Blueprint Genetics
Classification: Uncertain significance. Last evaluated: 2020-02-24. Review status: criteria provided, single submitter. Criteria: ACMG Guidelines, 2015. Collection method: clinical testing. Allele origin: germline.

NM_000047.3(ARSL):c.247G>A (p.Ala83Thr)

Gene: ARSL (arylsulfatase L; minus strand). Cytogenetic location: Xp22.33.
Variant type: single nucleotide variant.
Coding change: c.247G>A on transcript NM_000047.3 (MANE Select); coding-DNA position 247, G replaced by A.
Protein change: p.Ala83Thr; replaces alanine 83 with threonine.
Molecular consequence: missense variant.
Genome position (GRCh38, 1-based): chrX:2,955,476, C>T on the plus strand (G>A on the coding strand, the complement: ARSL is on the minus strand). VCF-style: chrX-2955476-C-T. GRCh37 (hg19) VCF-style: chrX-2873517-C-T.
Other names: c.322G>A, p.Ala108Thr (NM_001282628.2, NM_001369080.1); c.85G>A, p.Ala29Thr (NM_001282631.2); c.274G>A, p.Ala92Thr (NM_001369079.1); short protein forms A108T, A29T, A83T, A92T.
Identifiers: ClinVar variation 3235729 (VCV003235729.3), dbSNP rs1054544689, ClinGen allele CA325984880.